The following is an entry in ClinVar:

NM_000478.6(ALPL):c.1563C>G (p.Ser521Arg)

Gene: ALPL (alkaline phosphatase, biomineralization associated; plus strand). Cytogenetic location: 1p36.12.
Variant type: single nucleotide variant.
Coding change: c.1563C>G on transcript NM_000478.6 (MANE Select); coding-DNA position 1563, C replaced by G.
Protein change: p.Ser521Arg; replaces serine 521 with arginine.
Molecular consequence: missense variant.
Genome position (GRCh38, 1-based): chr1:21,577,636, C>G. VCF-style: chr1-21577636-C-G. GRCh37 (hg19) VCF-style: chr1-21904129-C-G.
Other names: c.1398C>G, p.Ser466Arg (NM_001127501.4); c.1332C>G, p.Ser444Arg (NM_001177520.3); c.1563C>G, p.Ser521Arg (NM_001369803.2, NM_001369804.2, NM_001369805.2); short protein forms S466R, S521R, S444R.
Identifiers: ClinVar variation 2199960 (VCV002199960.5), dbSNP rs370978556, ClinGen allele CA666888.

ClinVar aggregate classification (germline): Uncertain significance. Review status: criteria provided, multiple submitters, no conflicts (2 of 4 stars). 4 submissions from 4 submitters: Uncertain significance (4). Last evaluated 2025-08-29.

Conditions:
Hypophosphatasia. Also called: Phosphoethanol-aminuria. Identifiers: Orphanet 436, MedGen C0020630, MeSH D007014, MONDO:0018570.
Childhood hypophosphatasia. Identifiers: Orphanet 247667, Orphanet 436, MedGen C0220743, MONDO:1010168, OMIM 241510, MONDO:0009428.
Adult hypophosphatasia. Identifiers: Orphanet 247676, Orphanet 436, MedGen C0268413, MONDO:1010154, OMIM 146300, MONDO:0007798.
Infantile hypophosphatasia. Identifiers: Orphanet 247651, Orphanet 436, MedGen C0268412, MONDO:1010169, OMIM 241500, MONDO:0009427.

Allele frequency attached by ClinVar (database versions not stated): ExAC 0.00002.
gnomAD v4.1: 18 of 1,598,092 alleles (0.0011%); highest among the groups gnomAD compares: East Asian, 0.018%; no homozygotes.

Submissions (4):

Genomenon, Inc
Classification: Uncertain significance for Hypophosphatasia. Last evaluated: 2025-08-29. Review status: criteria provided, single submitter. Criteria: Genomenon Sequence Variant Interpretation Standards. Collection method: curation. Allele origin: germline. Affected: yes.
Comment: ALPL Ser521Arg (c.1563C>G) is a missense variant that changes the amino acid at residue 521 from Serine to Arginine. This variant has been observed in a proband affected with hypophosphatasia (PMID:37408354). Functional studies have been reported;however, the significance of the findings remain unclear (PMID:32160374). It is absent or not present at a significant frequency in gnomAD. In conclusion, we classify ALPL p.Ser521Arg (c.1563C>G) as a variant of unknown significance.

JKU Lab, Dept of Paediatrics, Johannes Kepler University
Classification: Uncertain significance for Hypophosphatasia. Last evaluated: 2025-02-27. Review status: criteria provided, single submitter. Criteria: ACMG Guidelines, 2015. Collection method: clinical testing. Allele origin: germline. Affected: yes.
Comment: This missense variant is present in GnomAD 4.1 (f = 0.0001786 in the East Asian population) and affects a highly conserved amino acid, not in the active site domain. The variant is not predicted to affect protein function (REVEL score: 0.317). Splice-prediction algorithms predict no effect on splicing. This variant has been reported in the literature in individuals affected with ALPL-related conditions (PMID 37408354). The applied ACMG criteria can be viewed at an online resource

Labcorp Genetics (formerly Invitae), Labcorp
Classification: Uncertain significance. Last evaluated: 2024-06-12. Review status: criteria provided, single submitter. Criteria: Invitae Variant Classification Sherloc (09022015). Collection method: clinical testing. Allele origin: germline.
Comment: This sequence change replaces serine, which is neutral and polar, with arginine, which is basic and polar, at codon 521 of the ALPL protein (p.Ser521Arg). This variant is present in population databases (rs370978556, gnomAD 0.03%). This missense change has been observed in individual(s) with odonto hypophosphatasia (PMID: 37408354). ClinVar contains an entry for this variant (Variation ID: 2199960). Algorithms developed to predict the effect of missense changes on protein structure and function output the following: SIFT: "Not Available"; PolyPhen-2: "Not Available"; Align-GVGD: "Not Available". The arginine amino acid residue is found in multiple mammalian species, which suggests that this missense change does not adversely affect protein function. In summary, the available evidence is currently insufficient to determine the role of this variant in disease. Therefore, it has been classified as a Variant of Uncertain Significance.

Fulgent Genetics
Classification: Uncertain significance for Adult hypophosphatasia; Infantile hypophosphatasia; Childhood hypophosphatasia. Last evaluated: 2024-03-01. Review status: criteria provided, single submitter. Criteria: ACMG Guidelines, 2015. Collection method: clinical testing. Allele origin: germline.

Literature cited by the submitters: PubMed 37408354 (cited by 3 submitters); PubMed 32160374 (cited by Genomenon, Inc).